The following is an entry in ClinVar:

NM_001276270.2(MBD4):c.362A>G (p.Lys121Arg)

Gene: MBD4 (methyl-CpG binding domain 4, DNA glycosylase; minus strand). Cytogenetic location: 3q21.3.
Variant type: single nucleotide variant.
Coding change: c.362A>G on transcript NM_001276270.2 (MANE Select); coding-DNA position 362, A replaced by G.
Protein change: p.Lys121Arg; replaces lysine 121 with arginine.
Molecular consequence: missense variant. On other transcripts: intron variant (1).
Genome position (GRCh38, 1-based): chr3:129,437,282, T>C on the plus strand (A>G on the coding strand, the complement: MBD4 is on the minus strand). VCF-style: chr3-129437282-T-C. GRCh37 (hg19) VCF-style: chr3-129156125-T-C.
Other names: c.362A>G, p.Lys121Arg (NM_001276272.2, NM_003925.3, NM_001276271.2); c.247+526A>G (NM_001276273.2); short protein forms K121R.
Identifiers: ClinVar variation 3639217 (VCV003639217.3).

ClinVar aggregate classification (germline): Uncertain significance. Review status: criteria provided, multiple submitters, no conflicts (2 of 4 stars). 2 submissions from 2 submitters: Uncertain significance (2). Last evaluated 2025-05-03.

Conditions:
Inborn genetic diseases. Identifiers: MedGen C0950123, MeSH D030342.

Submissions (2):

Ambry Genetics
Classification: Uncertain significance for Inborn genetic diseases. Last evaluated: 2025-05-03. Review status: criteria provided, single submitter. Criteria: Ambry Variant Classification Scheme 2023. Collection method: clinical testing. Allele origin: germline.
Comment: The p.K121R variant (also known as c.362A>G), located in coding exon 3 of the MBD4 gene, results from an A to G substitution at nucleotide position 362. The lysine at codon 121 is replaced by arginine, an amino acid with highly similar properties. This amino acid position is conserved. In addition, the in silico prediction for this alteration is inconclusive. Based on the available evidence, the clinical significance of this variant remains unclear.

Labcorp Genetics (formerly Invitae), Labcorp
Classification: Uncertain significance. Last evaluated: 2025-01-16. Review status: criteria provided, single submitter. Criteria: Invitae Variant Classification Sherloc (09022015). Collection method: clinical testing. Allele origin: germline.
Comment: This sequence change replaces lysine, which is basic and polar, with arginine, which is basic and polar, at codon 121 of the MBD4 protein (p.Lys121Arg). This variant is present in population databases (rs371487483, gnomAD 0.007%). This variant has not been reported in the literature in individuals affected with MBD4-related conditions. An algorithm developed to predict the effect of missense changes on protein structure and function outputs the following: PolyPhen-2: "Benign". The arginine amino acid residue is found in multiple mammalian species, which suggests that this missense change does not adversely affect protein function. In summary, the available evidence is currently insufficient to determine the role of this variant in disease. Therefore, it has been classified as a Variant of Uncertain Significance.